The following is an entry in ClinVar:

NM_001041.4(SI):c.3254+1G>T

Gene: SI (sucrase-isomaltase; minus strand). Cytogenetic location: 3q26.1.
Variant type: single nucleotide variant.
Coding change: c.3254+1G>T on transcript NM_001041.4 (MANE Select); the canonical splice donor site of the intron after coding-DNA position 3254, G replaced by T.
Molecular consequence: splice donor variant.
Genome position (GRCh38, 1-based): chr3:165,021,228, C>A on the plus strand (G>T on the coding strand, the complement: SI is on the minus strand). VCF-style: chr3-165021228-C-A. GRCh37 (hg19) VCF-style: chr3-164739016-C-A.
Identifiers: ClinVar variation 1481602 (VCV001481602.8), dbSNP rs2108183177, ClinGen allele CA355040748.

ClinVar aggregate classification (germline): Likely pathogenic (1 of 4 stars; one submission).

Submission:

Labcorp Genetics (formerly Invitae), Labcorp
Classification: Likely pathogenic. Last evaluated: 2020-12-08. Review status: criteria provided, single submitter. Criteria: Invitae Variant Classification Sherloc (09022015). Collection method: clinical testing. Allele origin: germline.
Comment: In summary, the currently available evidence indicates that the variant is pathogenic, but additional data are needed to prove that conclusively. Therefore, this variant has been classified as Likely Pathogenic. This sequence change affects a donor splice site in intron 27 of the SI gene. It is expected to disrupt RNA splicing. Variants that disrupt the donor or acceptor splice site typically lead to a loss of protein function (PMID: 16199547), and loss-of-function variants in SI are known to be pathogenic (PMID: 16329100, 23103650, 25452324). This variant is not present in population databases (ExAC no frequency). This variant has not been reported in the literature in individuals with SI-related conditions. Algorithms developed to predict the effect of sequence changes on RNA splicing suggest that this variant may disrupt the consensus splice site, but this prediction has not been confirmed by published transcriptional studies.

Literature cited by the submitters: PubMed 16199547; PubMed 16329100; PubMed 23103650; PubMed 25452324.